The following is an entry in ClinVar:

NM_000051.4(ATM):c.1314dup (p.Leu439fs)

Gene: ATM (ATM serine/threonine kinase; plus strand). Cytogenetic location: 11q22.3.
Variant type: Duplication.
Coding change: c.1314dup on transcript NM_000051.4 (MANE Select); coding-DNA position 1314, one base duplicated (A; older notation c.1314dupA).
Protein change: p.Leu439fs; shifts the reading frame from leucine 439.
Molecular consequence: frameshift variant.
Genome position (GRCh38, 1-based): chr11:108,250,779, A duplicated. VCF-style (leftmost placement, unchanged base first): chr11-108250778-T-TA. GRCh37 (hg19) VCF-style: chr11-108121505-T-TA.
Other names: c.1314dupA (NM_000051.3); c.1314dup, p.Leu439fs (NM_001351834.2); short protein forms L439fs.
Identifiers: ClinVar variation 490419 (VCV000490419.4), dbSNP rs1555070739, ClinGen allele CA658683697.

ClinVar aggregate classification (germline): Pathogenic (1 of 4 stars; one submission).

Conditions:
Hereditary cancer-predisposing syndrome. Also called: Hereditary Cancer Syndrome; Neoplastic Syndromes, Hereditary; Tumor predisposition; Hereditary neoplastic syndrome. Identifiers: Orphanet 140162, MedGen C0027672, MeSH D009386, MONDO:0015356.

Submission:

Color Diagnostics, LLC DBA Color Health
Classification: Pathogenic for Hereditary cancer-predisposing syndrome. Last evaluated: 2020-05-13. Review status: criteria provided, single submitter. Criteria: ACMG Guidelines, 2015. Collection method: clinical testing. Allele origin: germline.
Comment: This variant inserts 1 nucleotide in exon 10 of the ATM gene, creating a frameshift and premature translation stop signal. This variant is expected to result in an absent or non-functional protein product. To our knowledge, this variant has not been reported in individuals affected with hereditary cancer in the literature. This variant has not been identified in the general population by the Genome Aggregation Database (gnomAD). Loss of ATM function is a known mechanism of disease. Based on the available evidence, this variant is classified as Pathogenic.